The following is an entry in ClinVar:

ClinVar aggregate classification (germline): Conflicting classifications of pathogenicity. Review status: criteria provided, conflicting classifications (1 of 4 stars). 5 submissions from 5 submitters: Uncertain significance (3); Likely benign (2). Last evaluated 2025-12-24.

Conditions:
Familial cancer of breast. Also called: BREAST CANCER, FAMILIAL; hereditary breast carcinoma; Hereditary breast cancer. Identifiers: Orphanet 227535, MedGen C0346153, MONDO:0016419, OMIM 114480. Disease mechanism: loss of function.
Hereditary cancer. Identifiers: MedGen C1333600.
Hereditary cancer-predisposing syndrome. Also called: Neoplastic Syndromes, Hereditary; Tumor predisposition; Hereditary Cancer Syndrome; Hereditary neoplastic syndrome. Identifiers: Orphanet 140162, MedGen C0027672, MeSH D009386, MONDO:0015356.

Allele frequency attached by ClinVar (database versions not stated): gnomAD exomes below 0.00001; ExAC 0.00001; gnomAD 0.00001; TOPMed 0.00001.
gnomAD v4.1: 4 of 1,613,962 alleles (0.00025%); highest among the groups gnomAD compares: African/African-American, 0.0027%; no homozygotes.

Submissions (5):

Labcorp Genetics (formerly Invitae), Labcorp
Classification: Uncertain significance for Familial cancer of breast. Last evaluated: 2025-12-24. Review status: criteria provided, single submitter. Criteria: Invitae Variant Classification Sherloc (09022015). Collection method: clinical testing. Allele origin: germline.
Comment: This sequence change replaces lysine, which is basic and polar, with arginine, which is basic and polar, at codon 503 of the BARD1 protein (p.Lys503Arg). This variant is not present in population databases (gnomAD no frequency). This variant has not been reported in the literature in individuals affected with BARD1-related conditions. ClinVar contains an entry for this variant (Variation ID: 460709). An algorithm developed to predict the effect of missense changes on protein structure and function outputs the following: PolyPhen-2: "Benign". The arginine amino acid residue is found in multiple mammalian species, which suggests that this missense change does not adversely affect protein function. In summary, the available evidence is currently insufficient to determine the role of this variant in disease. Therefore, it has been classified as a Variant of Uncertain Significance.

Ambry Genetics
Classification: Likely benign for Hereditary cancer-predisposing syndrome. Last evaluated: 2024-12-23. Review status: criteria provided, single submitter. Criteria: Ambry Variant Classification Scheme 2023. Collection method: clinical testing. Allele origin: germline.

Mendelics
Classification: Likely benign for Hereditary cancer. Last evaluated: 2024-09-11. Review status: criteria provided, single submitter. Criteria: ACMG Guidelines, 2015. Collection method: clinical testing. Allele origin: unknown.
Comment: This variant is considered likely benign or benign based on one or more of the following: it is predicted to be benign by multiple in silico algorithms, and/or has population frequency not consistent with disease, and/or has normal protein function, and/or has lack of segregation with disease, and/or has been detected in co-occurrence with known pathogenic variant, and/or has lack of disease association in case-control studies, and/or is located in a region inconsistent with a known cause of pathogenicity.

Color Diagnostics, LLC DBA Color Health
Classification: Uncertain significance for Hereditary cancer-predisposing syndrome. Last evaluated: 2022-11-01. Review status: criteria provided, single submitter. Criteria: ACMG Guidelines, 2015. Collection method: clinical testing. Allele origin: germline.
Comment: This missense variant replaces lysine with arginine at codon 503 of the BARD1 protein. Computational prediction suggests that this variant may not impact protein structure and function (internally defined REVEL score threshold <= 0.5, PMID: 27666373). To our knowledge, functional studies have not been reported for this variant. This variant has not been reported in individuals affected with hereditary cancer in the literature. This variant has not been identified in the general population by the Genome Aggregation Database (gnomAD). The available evidence is insufficient to determine the role of this variant in disease conclusively. Therefore, this variant is classified as a Variant of Uncertain Significance.

GeneDx
Classification: Uncertain significance. Last evaluated: 2022-03-22. Review status: criteria provided, single submitter. Criteria: GeneDx Variant Classification Process June 2021. Collection method: clinical testing. Allele origin: germline. Affected: yes.
Comment: Not observed at significant frequency in large population cohorts (gnomAD); In silico analysis supports that this missense variant does not alter protein structure/function; Has not been previously published as pathogenic or benign to our knowledge; This variant is associated with the following publications: (PMID: 18480049)

NM_000465.4(BARD1):c.1508A>G (p.Lys503Arg)

Gene: BARD1 (BRCA1 associated RING domain 1; minus strand). Cytogenetic location: 2q35.
Variant type: single nucleotide variant.
Coding change: c.1508A>G on transcript NM_000465.4 (MANE Select); coding-DNA position 1508, A replaced by G.
Protein change: p.Lys503Arg; replaces lysine 503 with arginine.
Molecular consequence: missense variant. On other transcripts: non-coding transcript variant (3), intron variant (3).
Genome position (GRCh38, 1-based): chr2:214,767,542, T>C on the plus strand (A>G on the coding strand, the complement: BARD1 is on the minus strand). VCF-style: chr2-214767542-T-C. GRCh37 (hg19) VCF-style: chr2-215632266-T-C.
Other names: c.1451A>G, p.Lys484Arg (NM_001282543.2); c.159-14987A>G (NM_001282548.2); c.216-14987A>G (NM_001282545.2); c.364+24755A>G (NM_001282549.2); short protein forms K503R, K484R.
Identifiers: ClinVar variation 460709 (VCV000460709.24), dbSNP rs775002804, ClinGen allele CA2090246.